The following is an entry in ClinVar:

NM_017671.5(FERMT1):c.812G>A (p.Arg271Gln)

Gene: FERMT1 (FERM domain containing kindlin 1; minus strand). Cytogenetic location: 20p12.3.
Variant type: single nucleotide variant.
Coding change: c.812G>A on transcript NM_017671.5 (MANE Select); coding-DNA position 812, G replaced by A.
Protein change: p.Arg271Gln; replaces arginine 271 with glutamine.
Molecular consequence: missense variant.
Genome position (GRCh38, 1-based): chr20:6,107,569, C>T on the plus strand (G>A on the coding strand, the complement: FERMT1 is on the minus strand). VCF-style: chr20-6107569-C-T. GRCh37 (hg19) VCF-style: chr20-6088216-C-T.
Other names: short protein forms R271Q.
Identifiers: ClinVar variation 2138332 (VCV002138332.1), dbSNP rs144791466, ClinGen allele CA9758350.
Genomic context (GRCh38, chr20:6,107,569, plus strand): 5'-ACAAAAGAGAAAAAGTTGCTTACTTTAGGATTCAAGTCGAAGAAAGAATAATATTTAAAT[C>T]GTAAGAGCAGCTGCTCATCCTCTTGGATGCCTTGTTCCATAAGGGAGCGTGAGGAGTCTA-3'
Protein context (NP_060141.3, residues 261-281): GIQEDEQLLL[Arg271Gln]FKYYSFFDLN

ClinVar aggregate classification (germline): Uncertain significance (1 of 4 stars; one submission).

Allele frequency attached by ClinVar (database versions not stated): ExAC 0.00004; TOPMed 0.00005; gnomAD 0.00006; ESP Exome Variant Server 0.00008.
gnomAD v4.1: 247 of 1,612,564 alleles (0.015%); highest among the groups gnomAD compares: Non-Finnish European, 0.019%; no homozygotes.

Submission:

Labcorp Genetics (formerly Invitae), Labcorp
Classification: Uncertain significance. Last evaluated: 2022-02-21. Review status: criteria provided, single submitter. Criteria: Invitae Variant Classification Sherloc (09022015). Collection method: clinical testing. Allele origin: germline.
Comment: This sequence change replaces arginine, which is basic and polar, with glutamine, which is neutral and polar, at codon 271 of the FERMT1 protein (p.Arg271Gln). This variant is present in population databases (rs144791466, gnomAD 0.007%). This missense change has been observed in individual(s) with ulcerative colitis and oral pemphigus (PMID: 27537055). Algorithms developed to predict the effect of missense changes on protein structure and function (SIFT, PolyPhen-2, Align-GVGD) all suggest that this variant is likely to be disruptive. In summary, the available evidence is currently insufficient to determine the role of this variant in disease. Therefore, it has been classified as a Variant of Uncertain Significance.

Literature cited by the submitters: PubMed 27537055.